The following is an entry in ClinVar:

ClinVar aggregate classification (germline): Likely pathogenic (1 of 4 stars; one submission).

Submission:

GeneDx
Classification: Likely pathogenic. Last evaluated: 2017-08-01. Review status: criteria provided, single submitter. Criteria: GeneDx Variant Classification (06012015). Collection method: clinical testing. Allele origin: germline. Affected: yes.
Comment: The c.5175 G>T variant in the MED13L gene has not been reported previously as a pathogenic variant nor as a benign variant, to our knowledge. The c.5175 G>T variant is not observed in large population cohorts (Lek et al., 2016; 1000 Genomes Consortium et al., 2015; Exome Variant Server). In-silico splice models predict that c.5175 G>T may destroy a natural splice donor site in intron 22. However, in the absence of RNA/functional studies, the actual effect of the c.5175 G>T change in this individual is unknown. If c.5175 G>T does not alter splicing, it will result in the Q1725H missense change. The Q1725H variant is a semi-conservative amino acid substitution, which may impact secondary protein structure as these residues differ in some properties. This substitution is conserved across species, and in silico analysis predicts this variant is probably damaging to the protein structure/function. We interpret c.5175 G>T as a likely pathogenic variant.

NM_015335.5(MED13L):c.5175G>T (p.Gln1725His)

Gene: MED13L (mediator complex subunit 13L; minus strand). Cytogenetic location: 12q24.21.
Variant type: single nucleotide variant.
Coding change: c.5175G>T on transcript NM_015335.5 (MANE Select); coding-DNA position 5175, G replaced by T.
Protein change: p.Gln1725His; replaces glutamine 1725 with histidine.
Molecular consequence: missense variant.
Genome position (GRCh38, 1-based): chr12:115,982,384, C>A on the plus strand (G>T on the coding strand, the complement: MED13L is on the minus strand). VCF-style: chr12-115982384-C-A. GRCh37 (hg19) VCF-style: chr12-116420189-C-A.
Other names: short protein forms Q1725H.
Identifiers: ClinVar variation 450904 (VCV000450904.2), dbSNP rs1555243051, ClinGen allele CA386880942.